The following is an entry in ClinVar:

ClinVar aggregate classification (germline): Conflicting classifications of pathogenicity. Review status: criteria provided, conflicting classifications (1 of 4 stars). 6 submissions from 6 submitters: Uncertain significance (1); Benign (1); Likely benign (3). 1 of the submissions does not count toward it. Last evaluated 2026-01-28.

Conditions:
CTSD-related disorder. Also called: CTSD-related condition.
Neuronal ceroid lipofuscinosis. Also called: Neuronal Ceroid Lipofuscinoses. Identifiers: Orphanet 216, Orphanet 79263, MedGen C0027877, MONDO:0016295. Disease mechanism: loss of function.
Neuronal ceroid lipofuscinosis 10 (CLN10). Also called: NEURONAL CEROID LIPOFUSCINOSIS DUE TO CATHEPSIN D DEFICIENCY; CTSD-Related Neuronal Ceroid-Lipofuscinosis. Identifiers: Orphanet 228337, MedGen C1864669, MONDO:0012414, OMIM 610127.

Allele frequency attached by ClinVar (database versions not stated): 1000 Genomes Project 0.00020; ESP Exome Variant Server 0.00023; gnomAD 0.00028 and 0.00029; 1000 Genomes Project 30x 0.00031; ExAC 0.00033; TOPMed 0.00037.
gnomAD v4.1: 423 of 1,613,256 alleles (0.026%); highest among the groups gnomAD compares: Admixed American, 0.033%; 2 homozygotes.

Submissions (6):

Labcorp Genetics (formerly Invitae), Labcorp
Classification: Likely benign for Neuronal ceroid lipofuscinosis. Last evaluated: 2026-01-28. Review status: criteria provided, single submitter. Criteria: Invitae Variant Classification Sherloc (09022015). Collection method: clinical testing. Allele origin: germline.

Blueprint Genetics
Classification: Likely benign. Last evaluated: 2024-10-03. Review status: criteria provided, single submitter. Criteria: ACMG Guidelines, 2015. Collection method: clinical testing. Allele origin: germline.

Illumina Laboratory Services, Illumina
Classification: Uncertain significance for Neuronal ceroid lipofuscinosis 10. Last evaluated: 2017-04-27. Review status: criteria provided, single submitter. Criteria: ICSL Variant Classification Criteria 13 December 2019. Collection method: clinical testing. Allele origin: germline.

Athena Diagnostics
Classification: Likely benign. Last evaluated: 2017-01-17. Review status: criteria provided, single submitter. Criteria: Athena Diagnostics Criteria. Collection method: clinical testing. Allele origin: germline.

GeneDx
Classification: Benign. Last evaluated: 2013-02-27. Review status: criteria provided, single submitter. Criteria: GeneDx Variant Classification (06012015). Collection method: clinical testing. Allele origin: germline. Affected: yes.
Comment: This variant is considered likely benign or benign based on one or more of the following criteria: it is a conservative change, it occurs at a poorly conserved position in the protein, it is predicted to be benign by multiple in silico algorithms, and/or has population frequency not consistent with disease.

PreventionGenetics, part of Exact Sciences
Classification: Benign for CTSD-related condition. Last evaluated: 2024-06-07. Review status: no assertion criteria provided. Collection method: clinical testing. Allele origin: germline. Not counted in ClinVar's aggregate classification.
Comment: This variant is classified as benign based on ACMG/AMP sequence variant interpretation guidelines (Richards et al. 2015 PMID: 25741868, with internal and published modifications).

NM_001909.5(CTSD):c.1071+7G>A

Gene: CTSD (cathepsin D; minus strand). Cytogenetic location: 11p15.5.
Variant type: single nucleotide variant.
Coding change: c.1071+7G>A on transcript NM_001909.5 (MANE Select); 7 bases into the intron after coding-DNA position 1071, G replaced by A.
Molecular consequence: intron variant.
Genome position (GRCh38, 1-based): chr11:1,753,796, C>T on the plus strand (G>A on the coding strand, the complement: CTSD is on the minus strand). VCF-style: chr11-1753796-C-T. GRCh37 (hg19) VCF-style: chr11-1775026-C-T.
Identifiers: ClinVar variation 137042 (VCV000137042.19), dbSNP rs374010531, ClinGen allele CA290528.